The following is an entry in ClinVar:

NM_000810.4(GABRA5):c.552G>A (p.Ala184=)

Gene: GABRA5 (gamma-aminobutyric acid type A receptor subunit alpha5; plus strand). Cytogenetic location: 15q12.
Variant type: single nucleotide variant.
Coding change: c.552G>A on transcript NM_000810.4 (MANE Select); coding-DNA position 552, G replaced by A.
Protein change: p.Ala184=; no amino-acid change (alanine 184 retained).
Molecular consequence: synonymous variant.
Genome position (GRCh38, 1-based): chr15:26,914,857, G>A. VCF-style: chr15-26914857-G-A. GRCh37 (hg19) VCF-style: chr15-27160004-G-A.
Other names: c.552G>A, p.Ala184= (NM_001165037.2).
Identifiers: ClinVar variation 3280395 (VCV003280395.15).

ClinVar aggregate classification (germline): Likely benign. Review status: criteria provided, multiple submitters, no conflicts (2 of 4 stars). 2 submissions from 2 submitters: Likely benign (2). Last evaluated 2024-09-01.

Conditions:
Inborn genetic diseases. Identifiers: MedGen C0950123, MeSH D030342.

gnomAD v4.1: 81 of 1,613,804 alleles (0.005%); highest among the groups gnomAD compares: Middle Eastern, 0.016%; no homozygotes.

Submissions (2):

CeGaT Center for Human Genetics Tuebingen
Classification: Likely benign. Last evaluated: 2024-09-01. Review status: criteria provided, single submitter. Criteria: CeGaT Center For Human Genetics Tuebingen Variant Classification Criteria Version 2. Collection method: clinical testing. Allele origin: germline. Affected: yes. Observed: 1 variant allele.
Comment: GABRA5: BP4, BP7

Ambry Genetics
Classification: Likely benign for Inborn genetic diseases. Last evaluated: 2024-05-15. Review status: criteria provided, single submitter. Criteria: Ambry Variant Classification Scheme 2023. Collection method: clinical testing. Allele origin: germline.